The following is an entry in ClinVar:

ClinVar aggregate classification (germline): Uncertain significance (1 of 4 stars; one submission).

Conditions:
Holoprosencephaly 11 (HPE11). Identifiers: Orphanet 2162, MedGen C3280215, MONDO:0013642, OMIM 614226.

Submission:

Labcorp Genetics (formerly Invitae), Labcorp
Classification: Uncertain significance for Holoprosencephaly 11. Last evaluated: 2024-07-31. Review status: criteria provided, single submitter. Criteria: Invitae Variant Classification Sherloc (09022015). Collection method: clinical testing. Allele origin: germline.
Comment: This sequence change replaces asparagine, which is neutral and polar, with serine, which is neutral and polar, at codon 504 of the CDON protein (p.Asn504Ser). This variant is not present in population databases (gnomAD no frequency). This variant has not been reported in the literature in individuals affected with CDON-related conditions. Advanced modeling of protein sequence and biophysical properties (such as structural, functional, and spatial information, amino acid conservation, physicochemical variation, residue mobility, and thermodynamic stability) performed at Invitae indicates that this missense variant is not expected to disrupt CDON protein function with a negative predictive value of 80%. In summary, the available evidence is currently insufficient to determine the role of this variant in disease. Therefore, it has been classified as a Variant of Uncertain Significance.

NM_001378964.1(CDON):c.1511A>G (p.Asn504Ser)

Gene: CDON (cell adhesion associated, oncogene regulated; minus strand). Cytogenetic location: 11q24.2.
Variant type: single nucleotide variant.
Coding change: c.1511A>G on transcript NM_001378964.1 (MANE Select); coding-DNA position 1511, A replaced by G.
Protein change: p.Asn504Ser; replaces asparagine 504 with serine.
Molecular consequence: missense variant.
Genome position (GRCh38, 1-based): chr11:126,010,382, T>C on the plus strand (A>G on the coding strand, the complement: CDON is on the minus strand). VCF-style: chr11-126010382-T-C. GRCh37 (hg19) VCF-style: chr11-125880277-T-C.
Other names: c.1511A>G, p.Asn504Ser (NM_001243597.3, NM_016952.6); short protein forms N504S.
Identifiers: ClinVar variation 3621193 (VCV003621193.2).